The following is an entry in ClinVar:

NM_001371623.1(TCOF1):c.122C>T (p.Ala41Val)

Gene: TCOF1 (treacle ribosome biogenesis factor 1; plus strand). Cytogenetic location: 5q32.
Variant type: single nucleotide variant.
Coding change: c.122C>T on transcript NM_001371623.1 (MANE Select); coding-DNA position 122, C replaced by T.
Protein change: p.Ala41Val; replaces alanine 41 with valine.
Molecular consequence: missense variant.
Genome position (GRCh38, 1-based): chr5:150,361,169, C>T. VCF-style: chr5-150361169-C-T. GRCh37 (hg19) VCF-style: chr5-149740732-C-T.
Other names: c.122C>T, p.Ala41Val (NM_000356.4, NM_001008657.3, NM_001135243.2 and 3 more transcripts); short protein forms A41V.
Identifiers: ClinVar variation 212383 (VCV000212383.55), dbSNP rs56180593, ClinGen allele CA207335.

ClinVar aggregate classification (germline): Benign/Likely benign. Review status: criteria provided, multiple submitters, no conflicts (2 of 4 stars). 10 submissions from 10 submitters: Benign (4); Likely benign (2). 4 of the submissions do not count toward it. Last evaluated 2026-05-01.

Conditions:
Treacher Collins syndrome 1 (TCS1). Also called: TCOF1-Related Treacher Collins Syndrome. Identifiers: Orphanet 861, MedGen CN315775, MONDO:0007944, OMIM 154500.

Allele frequency attached by ClinVar (database versions not stated): 1000 Genomes Project 0.00100; 1000 Genomes Project 30x 0.00141; TOPMed 0.00200; gnomAD exomes 0.00209 and 0.00381; gnomAD 0.00223 and 0.00232; ExAC 0.00231; ESP Exome Variant Server 0.00231.

Submissions (10):

CeGaT Center for Human Genetics Tuebingen
Classification: Likely benign. Last evaluated: 2026-05-01. Review status: criteria provided, single submitter. Criteria: CeGaT Center For Human Genetics Tuebingen Variant Classification Criteria Version 2. Collection method: clinical testing. Allele origin: germline. Affected: yes. Observed: 7 variant alleles.
Comment: TCOF1: BP4, BS1

Labcorp Genetics (formerly Invitae), Labcorp
Classification: Benign for Treacher Collins syndrome 1. Last evaluated: 2026-01-18. Review status: criteria provided, single submitter. Criteria: Invitae Variant Classification Sherloc (09022015). Collection method: clinical testing. Allele origin: germline.

Blueprint Genetics
Classification: Likely benign. Last evaluated: 2024-11-26. Review status: criteria provided, single submitter. Criteria: ACMG Guidelines, 2015. Collection method: clinical testing. Allele origin: germline.

GeneDx
Classification: Benign. Last evaluated: 2019-03-28. Review status: criteria provided, single submitter. Criteria: GeneDx Variant Classification Process June 2021. Collection method: clinical testing. Allele origin: germline. Affected: yes.
Comment: This variant is associated with the following publications: (PMID: 20981092, 19572402, 12444270, 28065470, 30245029, 28497567)

Genetic Services Laboratory, University of Chicago
Classification: Benign. Last evaluated: 2017-05-11. Review status: criteria provided, single submitter. Criteria: ACMG Guidelines, 2015. Collection method: clinical testing. Allele origin: germline. Affected: no.

Center for Pediatric Genomic Medicine, Children's Mercy Hospital and Clinics
Classification: Benign. Last evaluated: 2016-07-13. Review status: criteria provided, single submitter. Criteria: ACMG Guidelines, 2015. Collection method: clinical testing. Allele origin: germline.

Clinical Genetics DNA and cytogenetics Diagnostics Lab, Erasmus MC, Erasmus Medical Center
Classification: Likely benign. Review status: no assertion criteria provided. Collection method: clinical testing. Allele origin: germline. Affected: yes. Study: VKGL Data-share Consensus. Not counted in ClinVar's aggregate classification.

Diagnostic Laboratory, Department of Genetics, University Medical Center Groningen
Classification: Likely benign. Review status: no assertion criteria provided. Collection method: clinical testing. Allele origin: germline. Affected: yes. Study: VKGL Data-share Consensus. Not counted in ClinVar's aggregate classification.

Joint Genome Diagnostic Labs from Nijmegen and Maastricht, Radboudumc and MUMC+
Classification: Likely benign. Review status: no assertion criteria provided. Collection method: clinical testing. Allele origin: germline. Affected: yes. Study: VKGL Data-share Consensus. Not counted in ClinVar's aggregate classification.

Laboratory of Diagnostic Genome Analysis, Leiden University Medical Center (LUMC)
Classification: Likely benign. Review status: no assertion criteria provided. Collection method: clinical testing. Allele origin: germline. Affected: yes. Study: VKGL Data-share Consensus. Not counted in ClinVar's aggregate classification.